The following is an entry in ClinVar:

NM_001277115.2(DNAH11):c.11984C>T (p.Ala3995Val)

Gene: DNAH11 (dynein axonemal heavy chain 11; plus strand). Cytogenetic location: 7p15.3.
Variant type: single nucleotide variant.
Coding change: c.11984C>T on transcript NM_001277115.2 (MANE Select); coding-DNA position 11984, C replaced by T.
Protein change: p.Ala3995Val; replaces alanine 3995 with valine.
Molecular consequence: missense variant.
Genome position (GRCh38, 1-based): chr7:21,873,290, C>T. VCF-style: chr7-21873290-C-T. GRCh37 (hg19) VCF-style: chr7-21912908-C-T.
Other names: short protein forms A3995V.
Identifiers: ClinVar variation 1432247 (VCV001432247.5), dbSNP rs765575732, ClinGen allele CA4182944.

ClinVar aggregate classification (germline): Uncertain significance (1 of 4 stars; one submission).

Conditions:
Primary ciliary dyskinesia. Also called: Ciliary dyskinesia. Identifiers: Orphanet 244, MedGen C0008780, MONDO:0016575, HP:0012265.

Allele frequency attached by ClinVar (database versions not stated): gnomAD exomes below 0.00001; gnomAD 0.00001; TOPMed 0.00001; ExAC 0.00002.
gnomAD v4.1: 3 of 1,594,010 alleles (0.00019%); highest among the groups gnomAD compares: East Asian, 0.0045%; no homozygotes.

Submission:

Labcorp Genetics (formerly Invitae), Labcorp
Classification: Uncertain significance for Primary ciliary dyskinesia. Last evaluated: 2022-08-15. Review status: criteria provided, single submitter. Criteria: Invitae Variant Classification Sherloc (09022015). Collection method: clinical testing. Allele origin: germline.
Comment: This sequence change replaces alanine, which is neutral and non-polar, with valine, which is neutral and non-polar, at codon 3995 of the DNAH11 protein (p.Ala3995Val). The frequency data for this variant in the population databases is considered unreliable, as metrics indicate poor data quality at this position in the gnomAD database. This variant has not been reported in the literature in individuals affected with DNAH11-related conditions. ClinVar contains an entry for this variant (Variation ID: 1432247). Advanced modeling of protein sequence and biophysical properties (such as structural, functional, and spatial information, amino acid conservation, physicochemical variation, residue mobility, and thermodynamic stability) performed at Invitae indicates that this missense variant is not expected to disrupt DNAH11 protein function. In summary, the available evidence is currently insufficient to determine the role of this variant in disease. Therefore, it has been classified as a Variant of Uncertain Significance.